The following is an entry in ClinVar:

NM_016219.5(MAN1B1):c.1295C>T (p.Ser432Phe)

Gene: MAN1B1 (mannosidase alpha class 1B member 1; plus strand). Cytogenetic location: 9q34.3.
Variant type: single nucleotide variant.
Coding change: c.1295C>T on transcript NM_016219.5 (MANE Select); coding-DNA position 1295, C replaced by T.
Protein change: p.Ser432Phe; replaces serine 432 with phenylalanine.
Molecular consequence: missense variant. On other transcripts: non-coding transcript variant (2).
Genome position (GRCh38, 1-based): chr9:137,106,165, C>T. VCF-style: chr9-137106165-C-T. GRCh37 (hg19) VCF-style: chr9-140000617-C-T.
Other names: short protein forms S432F.
Identifiers: ClinVar variation 589169 (VCV000589169.5), dbSNP rs774832284, ClinGen allele CA375655158.

ClinVar aggregate classification (germline): Uncertain significance (1 of 4 stars; one submission).

Conditions:
Inborn genetic diseases. Identifiers: MedGen C0950123, MeSH D030342.

Allele frequency attached by ClinVar (database versions not stated): TOPMed 0.00002.
gnomAD v4.1: 6 of 1,612,864 alleles (0.00037%); highest among the groups gnomAD compares: African/African-American, 0.0013%; no homozygotes.

Submission:

Ambry Genetics
Classification: Uncertain significance for Inborn genetic diseases. Last evaluated: 2017-05-31. Review status: criteria provided, single submitter. Criteria: Ambry Variant Classification Scheme 2023. Collection method: clinical testing. Allele origin: germline.
Comment: The p.S432F variant (also known as c.1295C>T), located in coding exon 9 of the MAN1B1 gene, results from a C to T substitution at nucleotide position 1295. The serine at codon 432 is replaced by phenylalanine, an amino acid with highly dissimilar properties. This amino acid position is not well conserved in available vertebrate species. In addition, this alteration is predicted to be tolerated by in silico analysis. Since supporting evidence is limited at this time, the clinical significance of this alteration remains unclear.